The following is an entry in ClinVar:

NM_016507.4(CDK12):c.1582C>T (p.Pro528Ser)

Gene: CDK12 (cyclin dependent kinase 12; plus strand). Cytogenetic location: 17q12.
Variant type: single nucleotide variant.
Coding change: c.1582C>T on transcript NM_016507.4 (MANE Select); coding-DNA position 1582, C replaced by T.
Protein change: p.Pro528Ser; replaces proline 528 with serine.
Molecular consequence: missense variant.
Genome position (GRCh38, 1-based): chr17:39,471,414, C>T. VCF-style: chr17-39471414-C-T. GRCh37 (hg19) VCF-style: chr17-37627667-C-T.
Other names: c.1582C>T, p.Pro528Ser (NM_015083.4); short protein forms P528S.
Identifiers: ClinVar variation 3489226 (VCV003489226.1).

ClinVar aggregate classification (germline): Uncertain significance (1 of 4 stars; one submission).

gnomAD v4.1: 9 of 1,613,906 alleles (0.00056%); highest among the groups gnomAD compares: East Asian, 0.02%; no homozygotes.

Submission:

Ambry Genetics
Classification: Uncertain significance. Last evaluated: 2024-11-21. Review status: criteria provided, single submitter. Criteria: Ambry Variant Classification Scheme 2023. Collection method: clinical testing. Allele origin: germline.
Comment: The p.P528S variant (also known as c.1582C>T), located in coding exon 2 of the CDK12 gene, results from a C to T substitution at nucleotide position 1582. The proline at codon 528 is replaced by serine, an amino acid with similar properties. This amino acid position is conserved. In addition, this alteration is predicted to be tolerated by in silico analysis. Based on the available evidence, the clinical significance of this variant remains unclear.